The following is an entry in ClinVar:

ClinVar aggregate classification (germline): Uncertain significance (1 of 4 stars; one submission).

Submission:

GeneDx
Classification: Uncertain significance. Last evaluated: 2023-02-09. Review status: criteria provided, single submitter. Criteria: GeneDx Variant Classification Process June 2021. Collection method: clinical testing. Allele origin: germline. Affected: yes.
Comment: Not observed at significant frequency in large population cohorts (gnomAD); In silico analysis supports that this missense variant does not alter protein structure/function; Has not been previously published as pathogenic or benign to our knowledge

NM_021008.4(DEAF1):c.1102G>C (p.Gly368Arg)

Gene: DEAF1 (DEAF1 transcription factor; minus strand). Cytogenetic location: 11p15.5.
Variant type: single nucleotide variant.
Coding change: c.1102G>C on transcript NM_021008.4 (MANE Select); coding-DNA position 1102, G replaced by C.
Protein change: p.Gly368Arg; replaces glycine 368 with arginine.
Molecular consequence: missense variant.
Genome position (GRCh38, 1-based): chr11:679,712, C>G on the plus strand (G>C on the coding strand, the complement: DEAF1 is on the minus strand). VCF-style: chr11-679712-C-G. GRCh37 (hg19) VCF-style: chr11-679712-C-G.
Other names: c.835G>C, p.Gly279Arg (NM_001293634.2); c.376G>C, p.Gly126Arg (NM_001367390.1); short protein forms G126R, G279R, G368R.
Identifiers: ClinVar variation 2575535 (VCV002575535.1), dbSNP rs2494409445, ClinGen allele CA378926029.